The following is an entry in ClinVar:

ClinVar aggregate classification (germline): Uncertain significance. Review status: criteria provided, multiple submitters, no conflicts (2 of 4 stars). 2 submissions from 2 submitters: Uncertain significance (2). Last evaluated 2024-03-12.

Conditions:
Hereditary cancer-predisposing syndrome. Also called: Neoplastic Syndromes, Hereditary; Tumor predisposition; Hereditary Cancer Syndrome; Hereditary neoplastic syndrome. Identifiers: Orphanet 140162, MedGen C0027672, MeSH D009386, MONDO:0015356.
Endometrial carcinoma. Also called: Endometrial carcinoma, somatic. Identifiers: MedGen C0476089, MONDO:0002447, OMIM 608089, HP:0012114.

Submissions (2):

Baylor Genetics
Classification: Uncertain significance for Endometrial carcinoma. Last evaluated: 2024-03-12. Review status: criteria provided, single submitter. Criteria: ACMG Guidelines, 2015. Collection method: clinical testing. Allele origin: unknown.

Ambry Genetics
Classification: Uncertain significance for Hereditary cancer-predisposing syndrome. Last evaluated: 2020-11-10. Review status: criteria provided, single submitter. Criteria: Ambry Variant Classification Scheme 2023. Collection method: clinical testing. Allele origin: germline.
Comment: The p.A693T variant (also known as c.2077G>A), located in coding exon 14 of the MSH3 gene, results from a G to A substitution at nucleotide position 2077. The alanine at codon 693 is replaced by threonine, an amino acid with similar properties. This amino acid position is highly conserved in available vertebrate species. In addition, the in silico prediction for this alteration is inconclusive. Since supporting evidence is limited at this time, the clinical significance of this alteration remains unclear.

NM_002439.5(MSH3):c.2077G>A (p.Ala693Thr)

Gene: MSH3 (mutS homolog 3; plus strand). Cytogenetic location: 5q14.1.
Variant type: single nucleotide variant.
Coding change: c.2077G>A on transcript NM_002439.5 (MANE Select); coding-DNA position 2077, G replaced by A.
Protein change: p.Ala693Thr; replaces alanine 693 with threonine.
Molecular consequence: missense variant.
Genome position (GRCh38, 1-based): chr5:80,768,113, G>A. VCF-style: chr5-80768113-G-A. GRCh37 (hg19) VCF-style: chr5-80063932-G-A.
Other names: short protein forms A693T.
Identifiers: ClinVar variation 1785479 (VCV001785479.3), dbSNP rs2112884567, ClinGen allele CA360277986.
Genomic context (GRCh38, chr5:80,768,113, plus strand): 5'-TTAGAAATTCCTGAACTCCTCAGTCCAGTGGAGCATTACTTAAAGATACTCAATGAACAA[G>A]CTGCCAAGTAAGTACCAGACCCTGAATTCTTCCTTTTCACCAGTCAGTATAATTCAGTGC-3'
Protein context (NP_002430.3, residues 683-703): EHYLKILNEQ[Ala693Thr]AKVGDKTELF